The following is an entry in ClinVar:

ClinVar aggregate classification (germline): Uncertain significance (1 of 4 stars; one submission).

Conditions:
Primary ciliary dyskinesia. Also called: Ciliary dyskinesia. Identifiers: Orphanet 244, MedGen C0008780, MONDO:0016575, HP:0012265.

Submission:

Labcorp Genetics (formerly Invitae), Labcorp
Classification: Uncertain significance for Primary ciliary dyskinesia. Last evaluated: 2021-06-29. Review status: criteria provided, single submitter. Criteria: Invitae Variant Classification Sherloc (09022015). Collection method: clinical testing. Allele origin: germline.
Comment: This sequence change replaces serine with phenylalanine at codon 656 of the DRC1 protein (p.Ser656Phe). The serine residue is moderately conserved and there is a large physicochemical difference between serine and phenylalanine. This variant is not present in population databases (ExAC no frequency). This variant has not been reported in the literature in individuals with DRC1-related conditions. Algorithms developed to predict the effect of missense changes on protein structure and function are either unavailable or do not agree on the potential impact of this missense change (SIFT: "Deleterious"; PolyPhen-2: "Possibly Damaging"; Align-GVGD: "Class C0"). In summary, the available evidence is currently insufficient to determine the role of this variant in disease. Therefore, it has been classified as a Variant of Uncertain Significance.

NM_145038.5(DRC1):c.1967C>T (p.Ser656Phe)

Gene: DRC1 (dynein regulatory complex subunit 1; plus strand). Cytogenetic location: 2p23.3.
Variant type: single nucleotide variant.
Coding change: c.1967C>T on transcript NM_145038.5 (MANE Select); coding-DNA position 1967, C replaced by T.
Protein change: p.Ser656Phe; replaces serine 656 with phenylalanine.
Molecular consequence: missense variant.
Genome position (GRCh38, 1-based): chr2:26,454,694, C>T. VCF-style: chr2-26454694-C-T. GRCh37 (hg19) VCF-style: chr2-26677562-C-T.
Other names: short protein forms S656F.
Identifiers: ClinVar variation 1464111 (VCV001464111.8), dbSNP rs2148007712, ClinGen allele CA346121946.
Genomic context (GRCh38, chr2:26,454,694, plus strand): 5'-TCTTGGCCTTCAGGGACTCGCGGGCCCCGCTGAGGGTACAGAAGAATGTGCGTGACAACT[C>T]CAAGGACTCGGAGTACTGGCAGGCCCTGACCACAGTGATCCCTTCCTCCAAGCAGAACCT-3'
Protein context (NP_659475.2, residues 646-666): LRVQKNVRDN[Ser656Phe]KDSEYWQALT